The following is an entry in ClinVar:

ClinVar aggregate classification (germline): Uncertain significance. Review status: criteria provided, multiple submitters, no conflicts (2 of 4 stars). 2 submissions from 2 submitters: Uncertain significance (2). Last evaluated 2024-04-27.

Conditions:
POLD1-related polyposis and colorectal cancer syndrome (CRCS10). Also called: Colorectal cancer 10; COLORECTAL CANCER, SUSCEPTIBILITY TO, ON CHROMOSOME 19q; Colorectal cancer, susceptibility to, 10. Identifiers: Orphanet 220460, MedGen C2675481, MONDO:0012953, OMIM 612591.

gnomAD v4.1: 3 of 1,614,026 alleles (0.00019%); highest among the groups gnomAD compares: East Asian, 0.0067%; no homozygotes.

Submissions (2):

Labcorp Genetics (formerly Invitae), Labcorp
Classification: Uncertain significance for POLD1-related polyposis and colorectal cancer syndrome. Last evaluated: 2024-04-27. Review status: criteria provided, single submitter. Criteria: Invitae Variant Classification Sherloc (09022015). Collection method: clinical testing. Allele origin: germline.
Comment: This sequence change replaces proline, which is neutral and non-polar, with threonine, which is neutral and polar, at codon 153 of the POLD1 protein (p.Pro153Thr). This variant is not present in population databases (gnomAD no frequency). This variant has not been reported in the literature in individuals affected with POLD1-related conditions. ClinVar contains an entry for this variant (Variation ID: 993145). Advanced modeling of protein sequence and biophysical properties (such as structural, functional, and spatial information, amino acid conservation, physicochemical variation, residue mobility, and thermodynamic stability) performed at Invitae indicates that this missense variant is not expected to disrupt POLD1 protein function with a negative predictive value of 80%. In summary, the available evidence is currently insufficient to determine the role of this variant in disease. Therefore, it has been classified as a Variant of Uncertain Significance.

Quest Diagnostics Nichols Institute San Juan Capistrano
Classification: Uncertain significance. Last evaluated: 2019-08-30. Review status: criteria provided, single submitter. Criteria: Quest Diagnostics criteria. Collection method: clinical testing. Allele origin: unknown.

NM_002691.4(POLD1):c.457C>A (p.Pro153Thr)

Gene: POLD1 (DNA polymerase delta 1, catalytic subunit; plus strand). Cytogenetic location: 19q13.33.
Variant type: single nucleotide variant.
Coding change: c.457C>A on transcript NM_002691.4 (MANE Select); coding-DNA position 457, C replaced by A.
Protein change: p.Pro153Thr; replaces proline 153 with threonine.
Molecular consequence: missense variant. On other transcripts: non-coding transcript variant (1).
Genome position (GRCh38, 1-based): chr19:50,401,918, C>A. VCF-style: chr19-50401918-C-A. GRCh37 (hg19) VCF-style: chr19-50905175-C-A.
Other names: c.457C>A, p.Pro153Thr (NM_001256849.1, NM_001308632.1); short protein forms P153T.
Identifiers: ClinVar variation 993145 (VCV000993145.3), dbSNP rs1555789811, ClinGen allele CA406972774.